The following is an entry in ClinVar:

ClinVar aggregate classification (germline): Conflicting classifications of pathogenicity. Review status: criteria provided, conflicting classifications (1 of 4 stars). 2 submissions from 2 submitters: Uncertain significance (1); Likely benign (1). Last evaluated 2025-11-08.

Conditions:
Inborn genetic diseases. Identifiers: MedGen C0950123, MeSH D030342.

gnomAD v4.1: 18 of 1,614,010 alleles (0.0011%); highest among the groups gnomAD compares: East Asian, 0.0089%; no homozygotes.

Submissions (2):

Ambry Genetics
Classification: Likely benign for Inborn genetic diseases. Last evaluated: 2025-11-08. Review status: criteria provided, single submitter. Criteria: Ambry Variant Classification Scheme 2023. Collection method: clinical testing. Allele origin: germline.

Labcorp Genetics (formerly Invitae), Labcorp
Classification: Uncertain significance. Last evaluated: 2025-04-08. Review status: criteria provided, single submitter. Criteria: Invitae Variant Classification Sherloc (09022015). Collection method: clinical testing. Allele origin: germline.
Comment: This sequence change replaces alanine, which is neutral and non-polar, with valine, which is neutral and non-polar, at codon 214 of the PRKCSH protein (p.Ala214Val). This variant is present in population databases (rs201953330, gnomAD 0.02%). This variant has not been reported in the literature in individuals affected with PRKCSH-related conditions. ClinVar contains an entry for this variant (Variation ID: 3670568). An algorithm developed to predict the effect of missense changes on protein structure and function outputs the following: PolyPhen-2: "Benign". The valine amino acid residue is found in multiple mammalian species, which suggests that this missense change does not adversely affect protein function. In summary, the available evidence is currently insufficient to determine the role of this variant in disease. Therefore, it has been classified as a Variant of Uncertain Significance.

NM_001289104.2(PRKCSH):c.641C>T (p.Ala214Val)

Gene: PRKCSH (PRKCSH beta subunit of glucosidase II; plus strand). Cytogenetic location: 19p13.2.
Variant type: single nucleotide variant.
Coding change: c.641C>T on transcript NM_001289104.2 (MANE Select); coding-DNA position 641, C replaced by T.
Protein change: p.Ala214Val; replaces alanine 214 with valine.
Molecular consequence: missense variant.
Genome position (GRCh38, 1-based): chr19:11,445,431, C>T. VCF-style: chr19-11445431-C-T. GRCh37 (hg19) VCF-style: chr19-11556246-C-T.
Other names: c.641C>T (NM_002743.2); c.641C>T, p.Ala214Val (NM_001001329.3, NM_001289102.2, NM_001289103.2 and 3 more transcripts); short protein forms A214V.
Identifiers: ClinVar variation 3670568 (VCV003670568.3).